The following is an entry in ClinVar:

NM_015662.3(IFT172):c.2247C>T (p.Asp749=)

Gene: IFT172 (intraflagellar transport 172; minus strand). Cytogenetic location: 2p23.3.
Variant type: single nucleotide variant.
Coding change: c.2247C>T on transcript NM_015662.3 (MANE Select); coding-DNA position 2247, C replaced by T.
Protein change: p.Asp749=; no amino-acid change (aspartic acid 749 retained).
Molecular consequence: synonymous variant.
Genome position (GRCh38, 1-based): chr2:27,461,464, G>A on the plus strand (C>T on the coding strand, the complement: IFT172 is on the minus strand). VCF-style: chr2-27461464-G-A. GRCh37 (hg19) VCF-style: chr2-27684331-G-A.
Other names: c.2181C>T, p.Asp727= (NM_001410739.1).
Identifiers: ClinVar variation 3355506 (VCV003355506.1).

ClinVar aggregate classification (germline): Likely benign (0 of 4 stars; one submission).

Conditions:
IFT172-related disorder. Also called: IFT172-related disorders; IFT172-related condition.

gnomAD v4.1: 2 of 1,614,024 alleles (0.00012%); highest among the groups gnomAD compares: African/African-American, 0.0013%; no homozygotes.

Submission:

PreventionGenetics, part of Exact Sciences
Classification: Likely benign for IFT172-related condition. Last evaluated: 2021-08-31. Review status: no assertion criteria provided. Collection method: clinical testing. Allele origin: germline.
Comment: This variant is classified as likely benign based on ACMG/AMP sequence variant interpretation guidelines (Richards et al. 2015 PMID: 25741868, with internal and published modifications).